The following is an entry in ClinVar:

NM_001190274.2(FBXO11):c.206A>G (p.Gln69Arg)

Gene: FBXO11 (F-box protein 11; minus strand). Cytogenetic location: 2p16.3.
Variant type: single nucleotide variant.
Coding change: c.206A>G on transcript NM_001190274.2 (MANE Select); coding-DNA position 206, A replaced by G.
Protein change: p.Gln69Arg; replaces glutamine 69 with arginine.
Molecular consequence: missense variant.
Genome position (GRCh38, 1-based): chr2:47,905,515, T>C on the plus strand (A>G on the coding strand, the complement: FBXO11 is on the minus strand). VCF-style: chr2-47905515-T-C. GRCh37 (hg19) VCF-style: chr2-48132654-T-C.
Other names: short protein forms Q69R.
Identifiers: ClinVar variation 2965716 (VCV002965716.3), dbSNP rs1678718799, ClinGen allele CA346812517.

ClinVar aggregate classification (germline): Uncertain significance (1 of 4 stars; one submission).

Submission:

Labcorp Genetics (formerly Invitae), Labcorp
Classification: Uncertain significance. Last evaluated: 2023-11-07. Review status: criteria provided, single submitter. Criteria: Invitae Variant Classification Sherloc (09022015). Collection method: clinical testing. Allele origin: germline.
Comment: This sequence change replaces glutamine, which is neutral and polar, with arginine, which is basic and polar, at codon 69 of the FBXO11 protein (p.Gln69Arg). This variant is not present in population databases (gnomAD no frequency). This variant has not been reported in the literature in individuals affected with FBXO11-related conditions. An algorithm developed to predict the effect of missense changes on protein structure and function (PolyPhen-2) suggests that this variant is likely to be tolerated. In summary, the available evidence is currently insufficient to determine the role of this variant in disease. Therefore, it has been classified as a Variant of Uncertain Significance.